The following is an entry in ClinVar:

NM_001079872.2(CUL4B):c.327T>G (p.Phe109Leu)

Genes: CUL4B (cullin 4B; minus strand), LOC113845788 (Sharpr-MPRA regulatory region 11856; plus strand). Cytogenetic location: Xq24.
Variant type: single nucleotide variant.
Coding change: c.327T>G on transcript NM_001079872.2 (MANE Select); coding-DNA position 327, T replaced by G.
Protein change: p.Phe109Leu; replaces phenylalanine 109 with leucine.
Molecular consequence: missense variant.
Genome position (GRCh38, 1-based): chrX:120,560,312, A>C on the plus strand (T>G on the coding strand, the complement: CUL4B is on the minus strand). VCF-style: chrX-120560312-A-C. GRCh37 (hg19) VCF-style: chrX-119694167-A-C.
Other names: c.342T>G, p.Phe114Leu (NM_001330624.2); c.381T>G, p.Phe127Leu (NM_003588.4); short protein forms F109L, F114L, F127L.
Identifiers: ClinVar variation 3368651 (VCV003368651.1).

ClinVar aggregate classification (germline): Uncertain significance (1 of 4 stars; one submission).

Submission:

GeneDx
Classification: Uncertain significance. Last evaluated: 2024-02-07. Review status: criteria provided, single submitter. Criteria: GeneDx Variant Classification Process June 2021. Collection method: clinical testing. Allele origin: germline. Affected: yes.
Comment: Not observed at significant frequency in large population cohorts (gnomAD); In silico analysis supports that this missense variant does not alter protein structure/function; Has not been previously published as pathogenic or benign to our knowledge